The following is an entry in ClinVar:

ClinVar aggregate classification (germline): Uncertain significance (1 of 4 stars; one submission).

Conditions:
Pfeiffer syndrome (ACS5). Also called: ACS V. Identifiers: Orphanet 710, MedGen C0220658, MONDO:0007043, OMIM 101600.
Hypogonadotropic hypogonadism 2 with or without anosmia (HH2). Also called: HYPOGONADOTROPIC HYPOGONADISM 2 WITH OR WITHOUT ANOSMIA, SUSCEPTIBILITY TO; HYPOGONADOTROPIC HYPOGONADISM 2 WITHOUT ANOSMIA, SUSCEPTIBILITY TO; HYPOGONADOTROPIC HYPOGONADISM 2 WITHOUT ANOSMIA; FGFR1-Related GnRH Deficiency (Kallmann Syndrome 2). Identifiers: Orphanet 478, MedGen C1563720, MONDO:0007844, OMIM 147950. Disease mechanism: loss of function.

Submission:

Labcorp Genetics (formerly Invitae), Labcorp
Classification: Uncertain significance for Pfeiffer syndrome; Hypogonadotropic hypogonadism 2 with or without anosmia. Last evaluated: 2018-06-11. Review status: criteria provided, single submitter. Criteria: Invitae Variant Classification Sherloc (09022015). Collection method: clinical testing. Allele origin: germline.
Comment: In summary, the available evidence is currently insufficient to determine the role of this variant in disease. Therefore, it has been classified as a Variant of Uncertain Significance. Algorithms developed to predict the effect of missense changes on protein structure and function (SIFT, PolyPhen-2, Align-GVGD) all suggest that this variant is likely to be disruptive, but these predictions have not been confirmed by published functional studies and their clinical significance is uncertain. This variant has not been reported in the literature in individuals with FGFR1-related disease. This variant is not present in population databases (ExAC no frequency). This sequence change replaces lysine with glutamine at codon 514 of the FGFR1 protein (p.Lys514Gln). The lysine residue is highly conserved and there is a small physicochemical difference between lysine and glutamine.

NM_023110.3(FGFR1):c.1540A>C (p.Lys514Gln)

Gene: FGFR1 (fibroblast growth factor receptor 1; minus strand). Cytogenetic location: 8p11.23.
Variant type: single nucleotide variant.
Coding change: c.1540A>C on transcript NM_023110.3 (MANE Select); coding-DNA position 1540, A replaced by C.
Protein change: p.Lys514Gln; replaces lysine 514 with glutamine.
Molecular consequence: missense variant.
Genome position (GRCh38, 1-based): chr8:38,417,882, T>G on the plus strand (A>C on the coding strand, the complement: FGFR1 is on the minus strand). VCF-style: chr8-38417882-T-G. GRCh37 (hg19) VCF-style: chr8-38275400-T-G.
Other names: c.1534A>C, p.Lys512Gln (NM_001174063.2, NM_001174065.2, NM_001354367.2 and 1 more transcripts); c.1510A>C, p.Lys504Gln (NM_001174064.2); c.1273A>C, p.Lys425Gln (NM_001174066.2, NM_023105.3); c.1633A>C, p.Lys545Gln (NM_001174067.2); c.1261A>C, p.Lys421Gln (NM_001354368.2); c.1528A>C, p.Lys510Gln (NM_001354369.2); c.1267A>C, p.Lys423Gln (NM_001354370.2, NM_023106.3); short protein forms K514Q, K421Q, K423Q, K425Q, K512Q, K504Q, K545Q, K510Q.
Identifiers: ClinVar variation 569013 (VCV000569013.5), dbSNP rs199573818, ClinGen allele CA370732935.
Genomic context (GRCh38, chr8:38,417,882, plus strand): 5'-CTTGGAATGGGACAAGATTTTCTTTGCAAGGACAGAAGCATCACTTACACTTCAACATCT[T>G]CACAGCCACTTTGGTCACACGGTTGGGTTTGTCCTTGTCCAGCCCGATAGCCTCTGCCAA-3'
Protein context (NP_075598.2, residues 504-524): KPNRVTKVAV[Lys514Gln]MLKSDATEKD